The following is an entry in ClinVar:

ClinVar aggregate classification (germline): Uncertain significance. Review status: criteria provided, multiple submitters, no conflicts (2 of 4 stars). 5 submissions from 5 submitters: Uncertain significance (5). Last evaluated 2023-10-01.

Conditions:
Inborn genetic diseases. Identifiers: MedGen C0950123, MeSH D030342.
MEGF8-related Carpenter syndrome. Also called: Carpenter syndrome 2. Identifiers: Orphanet 65759, MedGen C3554247, MONDO:0013998, OMIM 614976.

Allele frequency attached by ClinVar (database versions not stated): gnomAD 0.00001; TOPMed 0.00001; gnomAD exomes 0.00002 and 0.00006; ESP Exome Variant Server 0.00008; ExAC 0.00013.
gnomAD v4.1: 28 of 1,543,438 alleles (0.0018%); highest among the groups gnomAD compares: South Asian, 0.023%; no homozygotes.

Submissions (5):

CeGaT Center for Human Genetics Tuebingen
Classification: Uncertain significance. Last evaluated: 2023-10-01. Review status: criteria provided, single submitter. Criteria: CeGaT Center For Human Genetics Tuebingen Variant Classification Criteria Version 2. Collection method: clinical testing. Allele origin: germline. Affected: yes. Observed: 1 variant allele.

Ambry Genetics
Classification: Uncertain significance for Inborn genetic diseases. Last evaluated: 2023-08-08. Review status: criteria provided, single submitter. Criteria: Ambry Variant Classification Scheme 2023. Collection method: clinical testing. Allele origin: germline.

Seattle Children's Hospital Molecular Genetics Laboratory, Seattle Children's Hospital
Classification: Uncertain significance. Last evaluated: 2022-03-04. Review status: criteria provided, single submitter. Criteria: ACMG Guidelines, 2015. Collection method: clinical testing. Allele origin: germline. Affected: yes.
Comment: The p.Gly301Ser variant is located in exon 6 of the MEGF8 gene and substitutes a glycine with a serine at amino acid position 301 of the protein. This variant has recently been reported in patient databases in one individual, however no phenotypic information is available. This is a rare variant in large population databases; it has been observed in 9 of 152,084 alleles, with eight occurrences in the South Asian population (gnomAD v.2.1.1). The majority of in silico tools predict this to be a benign variant.

Women's Health and Genetics/Laboratory Corporation of America, LabCorp
Classification: Uncertain significance. Last evaluated: 2021-12-17. Review status: criteria provided, single submitter. Criteria: LabCorp Variant Classification Summary - May 2015. Collection method: clinical testing. Allele origin: germline.

Neuberg Centre For Genomic Medicine, NCGM
Classification: Uncertain significance for MEGF8-related Carpenter syndrome. Review status: criteria provided, single submitter. Criteria: ACMG Guidelines, 2015. Collection method: clinical testing. Allele origin: germline. Inheritance: Autosomal recessive inheritance. Affected: yes.
Comment: The observed missense c.901G>Ap.Gly301Ser variant in MEGF8 gene has not been reported previously as a pathogenic variant nor a benign variant, to our knowledge. The p.Gly301Ser variant is present with allele frequency of 0.006% in gnomAD Exomes. This variant has been submitted to the ClinVar database as Uncertain Significance. Multiple lines of computational evidences Polyphen - Probably damaging, SIFT - Tolerated and MutationTaster - Disease causing predict conflicting evidence on protein structure and function for this variant. The reference amino acid change at this position on MEGF8 gene is predicted as conserved by GERP++ and PhyloP across 100 vertebrates. The amino acid Gly at position 301 is changed to a Ser changing protein sequence and it might alter its composition and physico-chemical properties. For these reasons, this variant has been classified as a Variant of Uncertain Significance VUS.

NM_001271938.2(MEGF8):c.901G>A (p.Gly301Ser)

Gene: MEGF8 (multiple EGF like domains 8; plus strand). Cytogenetic location: 19q13.2.
Variant type: single nucleotide variant.
Coding change: c.901G>A on transcript NM_001271938.2 (MANE Select); coding-DNA position 901, G replaced by A.
Protein change: p.Gly301Ser; replaces glycine 301 with serine.
Molecular consequence: missense variant.
Genome position (GRCh38, 1-based): chr19:42,336,003, G>A. VCF-style: chr19-42336003-G-A. GRCh37 (hg19) VCF-style: chr19-42840155-G-A.
Other names: c.901G>A, p.Gly301Ser (NM_001410.3); short protein forms G301S.
Identifiers: ClinVar variation 1331434 (VCV001331434.30), dbSNP rs369528104, ClinGen allele CA9474299.